The following is an entry in ClinVar:

ClinVar aggregate classification (germline): Uncertain significance (1 of 4 stars; one submission).

Submission:

Labcorp Genetics (formerly Invitae), Labcorp
Classification: Uncertain significance. Last evaluated: 2021-04-23. Review status: criteria provided, single submitter. Criteria: Invitae Variant Classification Sherloc (09022015). Collection method: clinical testing. Allele origin: germline.
Comment: In summary, the available evidence is currently insufficient to determine the role of this variant in disease. Therefore, it has been classified as a Variant of Uncertain Significance. Algorithms developed to predict the effect of missense changes on protein structure and function output the following: SIFT: "Tolerated"; PolyPhen-2: "Benign"; Align-GVGD: "Class C0". The alanine amino acid residue is found in multiple mammalian species, suggesting that this missense change does not adversely affect protein function. These predictions have not been confirmed by published functional studies and their clinical significance is uncertain. This variant has not been reported in the literature in individuals with USH2A-related conditions. This variant is not present in population databases (ExAC no frequency). This sequence change replaces valine with alanine at codon 2126 of the USH2A protein (p.Val2126Ala). The valine residue is moderately conserved and there is a small physicochemical difference between valine and alanine.

NM_206933.4(USH2A):c.6377T>C (p.Val2126Ala)

Gene: USH2A (usherin; minus strand). Cytogenetic location: 1q41.
Variant type: single nucleotide variant.
Coding change: c.6377T>C on transcript NM_206933.4 (MANE Select); coding-DNA position 6377, T replaced by C.
Protein change: p.Val2126Ala; replaces valine 2126 with alanine.
Molecular consequence: missense variant.
Genome position (GRCh38, 1-based): chr1:216,000,511, A>G on the plus strand (T>C on the coding strand, the complement: USH2A is on the minus strand). VCF-style: chr1-216000511-A-G. GRCh37 (hg19) VCF-style: chr1-216173853-A-G.
Other names: short protein forms V2126A.
Identifiers: ClinVar variation 1490706 (VCV001490706.8), dbSNP rs2102483279, ClinGen allele CA344861778.